The following is an entry in ClinVar:

ClinVar aggregate classification (germline): Uncertain significance (1 of 4 stars; one submission).

Conditions:
Early-infantile DEE. Also called: Early infantile epileptic encephalopathy; Early infantile epileptic encephalopathy with suppression bursts; Ohtahara syndrome. Identifiers: Orphanet 1934, MedGen C0393706, MONDO:0800491.

Submission:

Labcorp Genetics (formerly Invitae), Labcorp
Classification: Uncertain significance for Early-infantile DEE. Last evaluated: 2022-08-16. Review status: criteria provided, single submitter. Criteria: Invitae Variant Classification Sherloc (09022015). Collection method: clinical testing. Allele origin: germline.
Comment: In summary, the available evidence is currently insufficient to determine the role of this variant in disease. Therefore, it has been classified as a Variant of Uncertain Significance. Algorithms developed to predict the effect of sequence changes on RNA splicing suggest that this variant may create or strengthen a splice site. Advanced modeling of protein sequence and biophysical properties (such as structural, functional, and spatial information, amino acid conservation, physicochemical variation, residue mobility, and thermodynamic stability) performed at Invitae indicates that this missense variant is expected to disrupt KCNQ2 protein function. ClinVar contains an entry for this variant (Variation ID: 1499155). This variant has not been reported in the literature in individuals affected with KCNQ2-related conditions. This variant is not present in population databases (gnomAD no frequency). This sequence change replaces glycine, which is neutral and non-polar, with valine, which is neutral and non-polar, at codon 621 of the KCNQ2 protein (p.Gly621Val).

NM_172107.4(KCNQ2):c.1862G>T (p.Gly621Val)

Gene: KCNQ2 (potassium voltage-gated channel subfamily Q member 2; minus strand). Cytogenetic location: 20q13.33.
Variant type: single nucleotide variant.
Coding change: c.1862G>T on transcript NM_172107.4 (MANE Select); coding-DNA position 1862, G replaced by T.
Protein change: p.Gly621Val; replaces glycine 621 with valine.
Molecular consequence: missense variant.
Genome position (GRCh38, 1-based): chr20:63,408,438, C>A on the plus strand (G>T on the coding strand, the complement: KCNQ2 is on the minus strand). VCF-style: chr20-63408438-C-A. GRCh37 (hg19) VCF-style: chr20-62039791-C-A.
Other names: c.1916G>T, p.Gly639Val (NM_001382235.1); c.1778G>T, p.Gly593Val (NM_004518.6); c.1808G>T, p.Gly603Val (NM_172106.3); c.1769G>T, p.Gly590Val (NM_172108.5); short protein forms G590V, G603V, G621V, G593V, G639V.
Identifiers: ClinVar variation 1499155 (VCV001499155.7), dbSNP rs2145496805, ClinGen allele CA409640245.